The following is an entry in ClinVar:

ClinVar aggregate classification (germline): Uncertain significance (1 of 4 stars; one submission).

Conditions:
Hereditary cancer-predisposing syndrome. Also called: Hereditary Cancer Syndrome; Hereditary neoplastic syndrome; Neoplastic Syndromes, Hereditary; Tumor predisposition. Identifiers: Orphanet 140162, MedGen C0027672, MeSH D009386, MONDO:0015356.

Submission:

Ambry Genetics
Classification: Uncertain significance for Hereditary cancer-predisposing syndrome. Last evaluated: 2025-08-15. Review status: criteria provided, single submitter. Criteria: Ambry Variant Classification Scheme 2023. Collection method: clinical testing. Allele origin: germline.
Comment: The c.589-5T>A intronic variant results from a T to A substitution 5 nucleotides upstream from coding exon 5 in the CTNNA1 gene. This nucleotide position is well conserved in available vertebrate species. In silico splice site analysis predicts that this alteration will result in the creation or strengthening of a novel splice acceptor site. Based on the available evidence, the clinical significance of this variant remains unclear.

NM_001903.5(CTNNA1):c.589-5T>A

Gene: CTNNA1 (catenin alpha 1; plus strand). Cytogenetic location: 5q31.2.
Variant type: single nucleotide variant.
Coding change: c.589-5T>A on transcript NM_001903.5 (MANE Select); 5 bases into the intron before coding-DNA position 589, T replaced by A.
Molecular consequence: intron variant.
Genome position (GRCh38, 1-based): chr5:138,824,525, T>A. VCF-style: chr5-138824525-T-A. GRCh37 (hg19) VCF-style: chr5-138160214-T-A.
Other names: c.589-5T>A (NM_001323986.2, NM_001323983.1, NM_001323982.2 and 3 more transcripts); c.220-5T>A (NM_001290310.3); c.280-5T>A (NM_001290309.3).
Identifiers: ClinVar variation 4235648 (VCV004235648.1).